The following is an entry in ClinVar:

NM_145239.3(PRRT2):c.212C>T (p.Thr71Ile)

Genes: MVP-DT (MVP divergent transcript; minus strand), PRRT2 (proline rich transmembrane protein 2; plus strand). Cytogenetic location: 16p11.2.
Variant type: single nucleotide variant.
Coding change: c.212C>T on transcript NM_145239.3 (MANE Select); coding-DNA position 212, C replaced by T.
Protein change: p.Thr71Ile; replaces threonine 71 with isoleucine.
Molecular consequence: missense variant.
Genome position (GRCh38, 1-based): chr16:29,813,266, C>T. VCF-style: chr16-29813266-C-T. GRCh37 (hg19) VCF-style: chr16-29824587-C-T.
Other names: c.212C>T, p.Thr71Ile (NM_001256442.2, NM_001256443.2, NM_001438120.1 and 2 more transcripts); short protein forms T71I.
Identifiers: ClinVar variation 4874291 (VCV004874291.2).

ClinVar aggregate classification (germline): Uncertain significance (1 of 4 stars; one submission).

Submission:

CeGaT Center for Human Genetics Tuebingen
Classification: Uncertain significance. Last evaluated: 2026-06-01. Review status: criteria provided, single submitter. Criteria: CeGaT Center For Human Genetics Tuebingen Variant Classification Criteria Version 2. Collection method: clinical testing. Allele origin: germline. Affected: yes. Observed: 1 variant allele.
Comment: PRRT2: PM2:Supporting, BP4